The following is an entry in ClinVar:

NM_000214.3(JAG1):c.1322G>A (p.Gly441Asp)

Gene: JAG1 (jagged canonical Notch ligand 1; minus strand). Cytogenetic location: 20p12.2.
Variant type: single nucleotide variant.
Coding change: c.1322G>A on transcript NM_000214.3 (MANE Select); coding-DNA position 1322, G replaced by A.
Protein change: p.Gly441Asp; replaces glycine 441 with aspartic acid.
Molecular consequence: missense variant.
Genome position (GRCh38, 1-based): chr20:10,649,548, C>T on the plus strand (G>A on the coding strand, the complement: JAG1 is on the minus strand). VCF-style: chr20-10649548-C-T. GRCh37 (hg19) VCF-style: chr20-10630196-C-T.
Other names: short protein forms G441D.
Identifiers: ClinVar variation 1024477 (VCV001024477.8), dbSNP rs2067332021, ClinGen allele CA408238144.
Genomic context (GRCh38, chr20:10,649,548, plus strand): 5'-TCATGAAAATCAAAATGGAAACAAAGTCACTCACTTATGTCACAATTCTGACCCATCCAG[C>T]CGGGAAGACAGTCGCAGTAGTAGCTGGCAATGAGATTCTTACAGGATTTGGCGTTTACAC-3'
Protein context (NP_000205.1, residues 431-451): IASYYCDCLP[Gly441Asp]WMGQNCDINI

ClinVar aggregate classification (germline): Uncertain significance (1 of 4 stars; one submission).

Conditions:
Alagille syndrome due to a JAG1 point mutation. Also called: JAG1-Related Alagille Syndrome; HEPATIC DUCTULAR HYPOPLASIA, SYNDROMATIC; Alagille Syndrome 1. Identifiers: Orphanet 261619, Orphanet 52, MedGen C1956125, MONDO:0016862, OMIM 118450.

Submission:

Labcorp Genetics (formerly Invitae), Labcorp
Classification: Uncertain significance for Alagille syndrome due to a JAG1 point mutation. Last evaluated: 2022-02-03. Review status: criteria provided, single submitter. Criteria: Invitae Variant Classification Sherloc (09022015). Collection method: clinical testing. Allele origin: germline.
Comment: This variant is not present in population databases (gnomAD no frequency). ClinVar contains an entry for this variant (Variation ID: 1024477). This variant has not been reported in the literature in individuals affected with JAG1-related conditions. This sequence change replaces glycine, which is neutral and non-polar, with aspartic acid, which is acidic and polar, at codon 441 of the JAG1 protein (p.Gly441Asp). In summary, the available evidence is currently insufficient to determine the role of this variant in disease. Therefore, it has been classified as a Variant of Uncertain Significance. Advanced modeling of protein sequence and biophysical properties (such as structural, functional, and spatial information, amino acid conservation, physicochemical variation, residue mobility, and thermodynamic stability) performed at Invitae indicates that this missense variant is expected to disrupt JAG1 protein function.